The following is an entry in ClinVar:

ClinVar aggregate classification (germline): Likely pathogenic (1 of 4 stars; one submission).

Conditions:
Cystic fibrosis (CF). Also called: MUCOVISCIDOSIS. Identifiers: Orphanet 586, MedGen C0010674, MONDO:0009061, OMIM 219700. Disease mechanism: loss of function.

Submission:

Institute of Human Genetics, University of Leipzig Medical Center
Classification: Likely pathogenic for Cystic fibrosis. Last evaluated: 2022-09-05. Review status: criteria provided, single submitter. Criteria: ACMG Guidelines, 2015. Collection method: curation. Allele origin: unknown. Affected: yes. Observed: 2 variant alleles.
Comment: This variant was identified in 2 unrelated patients with a clinically confirmed diagnosis of cystic fibrosis. The variant was classified in the context of a project re-classifying variants in the German Cystic Fibrosis Registry (Muko.e.V.). Criteria applied: PM2_SUP, PM5_STR, PP3

NM_000492.4(CFTR):c.1735G>C (p.Asp579His)

Gene: CFTR (CF transmembrane conductance regulator; plus strand). Cytogenetic location: 7q31.2.
Variant type: single nucleotide variant.
Coding change: c.1735G>C on transcript NM_000492.4 (MANE Select); coding-DNA position 1735, G replaced by C.
Protein change: p.Asp579His; replaces aspartic acid 579 with histidine.
Molecular consequence: missense variant.
Genome position (GRCh38, 1-based): chr7:117,590,408, G>C. VCF-style: chr7-117590408-G-C. GRCh37 (hg19) VCF-style: chr7-117230462-G-C.
Other names: D579H.
Identifiers: ClinVar variation 1705994 (VCV001705994.1), dbSNP rs397508287, ClinGen allele CA368977242.